The following is an entry in ClinVar:

ClinVar aggregate classification (germline): Likely pathogenic (1 of 4 stars; one submission).

Conditions:
Familial renal glucosuria (GLYS). Also called: RENAL GLUCOSURIA, AUTOSOMAL DOMINANT; Familial renal glycosuria. Identifiers: Orphanet 69076, MedGen C3245525, MONDO:0009297, OMIM 233100.

gnomAD v4.1: 7 of 1,611,760 alleles (0.00043%); highest among the groups gnomAD compares: Non-Finnish European, 0.00059%; no homozygotes.

Submission:

MVZ Medizinische Genetik Mainz
Classification: Likely pathogenic for Familial renal glucosuria. Last evaluated: 2025-09-17. Review status: criteria provided, single submitter. Criteria: UK Practice Guidelines For Variant Classification V4 01 2020. Collection method: clinical testing. Allele origin: germline. Inheritance: Autosomal recessive inheritance. Affected: yes. Observed: 1 variant allele.
Comment: ACMG Criteria: PP3_STR,PS3_SUP,PS4_SUP,PM2_SUP,PP4

NM_003041.4(SLC5A2):c.1051T>C (p.Cys351Arg)

Gene: SLC5A2 (solute carrier family 5 member 2; plus strand). Cytogenetic location: 16p11.2.
Variant type: single nucleotide variant.
Coding change: c.1051T>C on transcript NM_003041.4 (MANE Select); coding-DNA position 1051, T replaced by C.
Protein change: p.Cys351Arg; replaces cysteine 351 with arginine.
Molecular consequence: missense variant. On other transcripts: non-coding transcript variant (1).
Genome position (GRCh38, 1-based): chr16:31,488,412, T>C. VCF-style: chr16-31488412-T-C. GRCh37 (hg19) VCF-style: chr16-31499733-T-C.
Other names: short protein forms C351R.
Identifiers: ClinVar variation 4857271 (VCV004857271.1).